The following is an entry in ClinVar:

NM_006361.6(HOXB13):c.669C>G (p.Tyr223Ter)

Gene: HOXB13 (homeobox B13; minus strand). Cytogenetic location: 17q21.32.
Variant type: single nucleotide variant.
Coding change: c.669C>G on transcript NM_006361.6 (MANE Select); coding-DNA position 669, C replaced by G.
Protein change: p.Tyr223Ter; replaces tyrosine 223 with a stop codon.
Molecular consequence: nonsense.
Genome position (GRCh38, 1-based): chr17:48,726,976, G>C on the plus strand (C>G on the coding strand, the complement: HOXB13 is on the minus strand). VCF-style: chr17-48726976-G-C. GRCh37 (hg19) VCF-style: chr17-46804338-G-C.
Other names: short protein forms Y223*.
Identifiers: ClinVar variation 1509571 (VCV001509571.6), dbSNP rs2143067110, ClinGen allele CA400106735.

ClinVar aggregate classification (germline): Uncertain significance (1 of 4 stars; one submission).

Submission:

Labcorp Genetics (formerly Invitae), Labcorp
Classification: Uncertain significance. Last evaluated: 2020-12-21. Review status: criteria provided, single submitter. Criteria: Invitae Variant Classification Sherloc (09022015). Collection method: clinical testing. Allele origin: germline.
Comment: Experimental studies and prediction algorithms are not available or were not evaluated, and the functional significance of this variant is currently unknown. In summary, the available evidence is currently insufficient to determine the role of this variant in disease. Therefore, it has been classified as a Variant of Uncertain Significance. This variant has not been reported in the literature in individuals with HOXB13-related conditions. This sequence change creates a premature translational stop signal (p.Tyr223*) in the HOXB13 gene. While this is not anticipated to result in nonsense mediated decay, it is expected to disrupt the last 62 amino acid(s) of the HOXB13 protein. This variant is not present in population databases (ExAC no frequency).